The following is an entry in ClinVar:

NM_000142.5(FGFR3):c.200G>C (p.Gly67Ala)

Gene: FGFR3 (fibroblast growth factor receptor 3; plus strand). Cytogenetic location: 4p16.3.
Variant type: single nucleotide variant.
Coding change: c.200G>C on transcript NM_000142.5 (MANE Select); coding-DNA position 200, G replaced by C.
Protein change: p.Gly67Ala; replaces glycine 67 with alanine.
Molecular consequence: missense variant. On other transcripts: non-coding transcript variant (1).
Genome position (GRCh38, 1-based): chr4:1,799,344, G>C. VCF-style: chr4-1799344-G-C. GRCh37 (hg19) VCF-style: chr4-1801071-G-C.
Other names: c.200G>C, p.Gly67Ala (NM_001163213.2, NM_001354809.2, NM_001354810.2 and 1 more transcripts); short protein forms G67A.
Identifiers: ClinVar variation 978772 (VCV000978772.4), dbSNP rs369232922, ClinGen allele CA355972542.
Genomic context (GRCh38, chr4:1,799,344, plus strand): 5'-AGCAGTTGGTCTTCGGCAGCGGGGATGCTGTGGAGCTGAGCTGTCCCCCGCCCGGGGGTG[G>C]TCCCATGGGGCCCACTGTCTGGGTCAAGGATGGCACAGGGCTGGTGCCCTCGGAGCGTGT-3'
Protein context (NP_000133.1, residues 57-77): VELSCPPPGG[Gly67Ala]PMGPTVWVKD

ClinVar aggregate classification (germline): Uncertain significance (1 of 4 stars; one submission).

Conditions:
Thanatophoric dysplasia, type 2 (TD2). Also called: Thanatophoric Dysplasia Type 2 (TD Type 2); THANATOPHORIC DYSPLASIA WITH KLEEBLATTSCHAEDEL; THANATOPHORIC DYSPLASIA WITH STRAIGHT FEMURS AND CLOVERLEAF SKULL; CLOVERLEAF SKULL WITH THANATOPHORIC DWARFISM. Identifiers: Orphanet 2655, Orphanet 93274, MedGen C1300257, MONDO:0008547, OMIM 187601. Disease mechanism: gain of function.

gnomAD v4.1: 1 of 1,612,604 alleles (0.000062%); highest among the groups gnomAD compares: Non-Finnish European, 0.000085%; no homozygotes.

Submission:

Foundation for Research in Genetics and Endocrinology, FRIGE's Institute of Human Genetics
Classification: Uncertain significance for Thanatophoric dysplasia, type 2. Last evaluated: 2020-08-01. Review status: criteria provided, single submitter. Criteria: ACMG Guidelines, 2015. Collection method: clinical testing. Allele origin: germline. Inheritance: Autosomal dominant inheritance. Affected: yes. Observed: 1 heterozygote.
Comment: A heterozygous missense variation in exon 3 of the FGFR3 gene that results in the amino acid substitution of Alanine for Glycine at codon 67 was detected. The observed variant c.200G>C (p.Gly67Ala) has not been reported in the 1000 genomes and gnomAD databases. The in silico prediction of the variant is benign by PolyPhen-2 (HumDiv), SIFT and MutationTaster2. The reference codon is conserved across mammals. In summary, the variant meets our criteria to be classified as a variant of uncertain significance.